The following is an entry in ClinVar:

NM_004991.4(MECOM):c.1623T>G (p.Ile541Met)

Gene: MECOM (MDS1 and EVI1 complex locus; minus strand). Cytogenetic location: 3q26.2.
Variant type: single nucleotide variant.
Coding change: c.1623T>G on transcript NM_004991.4 (MANE Select); coding-DNA position 1623, T replaced by G.
Protein change: p.Ile541Met; replaces isoleucine 541 with methionine.
Molecular consequence: missense variant. On other transcripts: intron variant (2).
Genome position (GRCh38, 1-based): chr3:169,116,249, A>C on the plus strand (T>G on the coding strand, the complement: MECOM is on the minus strand). VCF-style: chr3-169116249-A-C. GRCh37 (hg19) VCF-style: chr3-168834037-A-C.
Other names: c.1254T>G, p.Ile418Met (NM_001105077.4); c.1059T>G, p.Ile353Met (NM_001105078.4, NM_001164000.2, NM_001205194.2 and 4 more transcripts); c.1062T>G, p.Ile354Met (NM_001163999.2, NM_001366467.2, NM_001366468.2 and 1 more transcripts); c.1623T>G, p.Ile541Met (NM_001366466.2); c.1133-482T>G (NM_001366473.2); c.569-482T>G (NM_001366474.2); short protein forms I353M, I418M, I541M, I354M.
Identifiers: ClinVar variation 5024130 (VCV005024130.1).

ClinVar aggregate classification (germline): Uncertain significance (1 of 4 stars; one submission).

Conditions:
Inborn genetic diseases. Identifiers: MedGen C0950123, MeSH D030342.

gnomAD v4.1: 1 of 1,614,138 alleles (0.000062%); highest among the groups gnomAD compares: African/African-American, 0.0013%; no homozygotes.

Submission:

Ambry Genetics
Classification: Uncertain significance for Inborn genetic diseases. Last evaluated: 2026-07-09. Review status: criteria provided, single submitter. Criteria: Ambry Variant Classification Scheme 2023. Collection method: clinical testing. Allele origin: germline.
Comment: The p.I541M variant (also known as c.1623T>G), located in coding exon 8 of the MECOM gene, results from a T to G substitution at nucleotide position 1623. The isoleucine at codon 541 is replaced by methionine, an amino acid with highly similar properties. This amino acid position is conserved. In addition, this alteration is predicted to be tolerated by in silico analysis. Based on the available evidence, the clinical significance of this variant remains unclear.